The following is an entry in ClinVar:

ClinVar aggregate classification (germline): Pathogenic (1 of 4 stars; one submission).

Conditions:
Familial dysautonomia. Also called: HSAN III; FD. Identifiers: Orphanet 1764, MedGen C0013364, MONDO:0009131, OMIM 223900. Disease mechanism: loss of function.

Submission:

Myriad Genetics, Inc.
Classification: Pathogenic for Familial dysautonomia. Last evaluated: 2024-06-20. Review status: criteria provided, single submitter. Criteria: Myriad Autosomal Dominant, Autosomal Recessive and X-Linked Classification Criteria (2023). Collection method: clinical testing. Allele origin: unknown.
Comment: NM_003640.3(ELP1):c.388C>T(Q130*) is expected to be pathogenic in the context of familial dysautonomia. This variant is predicted to lead to an abnormal or absent protein product due to the creation of a premature termination codon in ELP1, a gene where loss-of-function variants are known to be pathogenic. Please note: this variant was assessed in the context of healthy population screening.

NM_003640.5(ELP1):c.388C>T (p.Gln130Ter)

Gene: ELP1 (elongator acetyltransferase complex subunit 1; minus strand). Cytogenetic location: 9q31.3.
Variant type: single nucleotide variant.
Coding change: c.388C>T on transcript NM_003640.5 (MANE Select); coding-DNA position 388, C replaced by T.
Protein change: p.Gln130Ter; replaces glutamine 130 with a stop codon.
Molecular consequence: nonsense. On other transcripts: 5 prime UTR variant (1).
Genome position (GRCh38, 1-based): chr9:108,926,601, G>A on the plus strand (C>T on the coding strand, the complement: ELP1 is on the minus strand). VCF-style: chr9-108926601-G-A. GRCh37 (hg19) VCF-style: chr9-111688881-G-A.
Other names: c.46C>T, p.Gln16Ter (NM_001318360.2); c.-472C>T (NM_001330749.2); short protein forms Q130*, Q16*.
Identifiers: ClinVar variation 5013214 (VCV005013214.1).